The following is an entry in ClinVar:

ClinVar aggregate classification (germline): Uncertain significance (1 of 4 stars; one submission).

gnomAD v4.1: 3 of 1,609,298 alleles (0.00019%); highest among the groups gnomAD compares: Non-Finnish European, 0.00025%; no homozygotes.

Submission:

Labcorp Genetics (formerly Invitae), Labcorp
Classification: Uncertain significance. Last evaluated: 2024-11-19. Review status: criteria provided, single submitter. Criteria: Invitae Variant Classification Sherloc (09022015). Collection method: clinical testing. Allele origin: germline.
Comment: This sequence change affects codon 204 of the COL9A3 mRNA. It is a 'silent' change, meaning that it does not change the encoded amino acid sequence of the COL9A3 protein. This variant is not present in population databases (gnomAD no frequency). This variant has not been reported in the literature in individuals affected with COL9A3-related conditions. Algorithms developed to predict the effect of sequence changes on RNA splicing suggest that this variant may disrupt the consensus splice site. In summary, the available evidence is currently insufficient to determine the role of this variant in disease. Therefore, it has been classified as a Variant of Uncertain Significance.

NM_001853.4(COL9A3):c.612C>G (p.Val204=)

Gene: COL9A3 (collagen type IX alpha 3 chain; plus strand). Cytogenetic location: 20q13.33.
Variant type: single nucleotide variant.
Coding change: c.612C>G on transcript NM_001853.4 (MANE Select); coding-DNA position 612, C replaced by G.
Protein change: p.Val204=; no amino-acid change (valine 204 retained).
Molecular consequence: synonymous variant.
Genome position (GRCh38, 1-based): chr20:62,825,003, C>G. VCF-style: chr20-62825003-C-G. GRCh37 (hg19) VCF-style: chr20-61456355-C-G.
Identifiers: ClinVar variation 3611508 (VCV003611508.2).
Genomic context (GRCh38, chr20:62,825,003, plus strand): 5'-GCAGTGACCCCACATTTGCTTGCAGGGACCCACTGGCTACAAAGGCGAGCAGGGGGAAGT[C>G]GGCAAGGACGGCGAGAAGGTGAAGCTGCCGCACAGCAGCTGGGGAGGAGCTGGGGACTGG-3'
Protein context (NP_001844.3, residues 194-214): PTGYKGEQGE[Val204=]GKDGEKGDPG